The following is an entry in ClinVar:

ClinVar aggregate classification (germline): Uncertain significance (1 of 4 stars; one submission).

Submission:

Labcorp Genetics (formerly Invitae), Labcorp
Classification: Uncertain significance. Last evaluated: 2024-02-14. Review status: criteria provided, single submitter. Criteria: Invitae Variant Classification Sherloc (09022015). Collection method: clinical testing. Allele origin: germline.
Comment: This sequence change replaces glutamic acid, which is acidic and polar, with aspartic acid, which is acidic and polar, at codon 380 of the KMT2B protein (p.Glu380Asp). This variant is not present in population databases (gnomAD no frequency). This variant has not been reported in the literature in individuals affected with KMT2B-related conditions. Advanced modeling of protein sequence and biophysical properties (such as structural, functional, and spatial information, amino acid conservation, physicochemical variation, residue mobility, and thermodynamic stability) performed at Invitae indicates that this missense variant is not expected to disrupt KMT2B protein function with a negative predictive value of 95%. In summary, the available evidence is currently insufficient to determine the role of this variant in disease. Therefore, it has been classified as a Variant of Uncertain Significance.

NM_014727.3(KMT2B):c.1140G>C (p.Glu380Asp)

Gene: KMT2B (lysine methyltransferase 2B; plus strand). Cytogenetic location: 19q13.12.
Variant type: single nucleotide variant.
Coding change: c.1140G>C on transcript NM_014727.3 (MANE Select); coding-DNA position 1140, G replaced by C.
Protein change: p.Glu380Asp; replaces glutamic acid 380 with aspartic acid.
Molecular consequence: missense variant.
Genome position (GRCh38, 1-based): chr19:35,720,487, G>C. VCF-style: chr19-35720487-G-C. GRCh37 (hg19) VCF-style: chr19-36211389-G-C.
Other names: short protein forms E380D.
Identifiers: ClinVar variation 2731932 (VCV002731932.3), dbSNP rs1969141999, ClinGen allele CA405384948.